The following is an entry in ClinVar:

ClinVar aggregate classification (germline): Uncertain significance (1 of 4 stars; one submission).

Submission:

Ambry Genetics
Classification: Uncertain significance. Last evaluated: 2023-06-08. Review status: criteria provided, single submitter. Criteria: Ambry Variant Classification Scheme 2023. Collection method: clinical testing. Allele origin: germline.
Comment: The p.P546T variant (also known as c.1636C>A), located in coding exon 3 of the ALPK2 gene, results from a C to A substitution at nucleotide position 1636. The proline at codon 546 is replaced by threonine, an amino acid with highly similar properties. This amino acid position is conserved. In addition, this alteration is predicted to be tolerated by in silico analysis. Since supporting evidence is limited at this time, the clinical significance of this alteration remains unclear.

NM_052947.4(ALPK2):c.1636C>A (p.Pro546Thr)

Gene: ALPK2 (alpha kinase 2; minus strand). Cytogenetic location: 18q21.31.
Variant type: single nucleotide variant.
Coding change: c.1636C>A on transcript NM_052947.4 (MANE Select); coding-DNA position 1636, C replaced by A.
Protein change: p.Pro546Thr; replaces proline 546 with threonine.
Molecular consequence: missense variant.
Genome position (GRCh38, 1-based): chr18:58,579,140, G>T on the plus strand (C>A on the coding strand, the complement: ALPK2 is on the minus strand). VCF-style: chr18-58579140-G-T. GRCh37 (hg19) VCF-style: chr18-56246372-G-T.
Other names: short protein forms P546T.
Identifiers: ClinVar variation 2564116 (VCV002564116.2), dbSNP rs2518898744, ClinGen allele CA402561341.